The following is an entry in ClinVar:

ClinVar aggregate classification (germline): Uncertain significance. Review status: criteria provided, multiple submitters, no conflicts (2 of 4 stars). 2 submissions from 2 submitters: Uncertain significance (2). Last evaluated 2023-06-05.

Conditions:
Cardiovascular phenotype. Identifiers: MedGen CN230736.
Duchenne muscular dystrophy (DMD). Also called: MUSCULAR DYSTROPHY, PSEUDOHYPERTROPHIC PROGRESSIVE, DUCHENNE TYPE; Duchenne Muscular Dystrophy (DMD). Identifiers: Orphanet 98896, MedGen C0013264, MONDO:0010679, OMIM 310200.

Allele frequency attached by ClinVar (database versions not stated): gnomAD exomes below 0.00001.
gnomAD v4.1: 1 of 1,211,856 alleles (0.000083%); highest among the groups gnomAD compares: South Asian, 0.0018%; no homozygotes.

Submissions (2):

Labcorp Genetics (formerly Invitae), Labcorp
Classification: Uncertain significance for Duchenne muscular dystrophy. Last evaluated: 2023-06-05. Review status: criteria provided, single submitter. Criteria: Invitae Variant Classification Sherloc (09022015). Collection method: clinical testing. Allele origin: germline.
Comment: This sequence change replaces leucine, which is neutral and non-polar, with phenylalanine, which is neutral and non-polar, at codon 2417 of the DMD protein (p.Leu2417Phe). This variant is not present in population databases (gnomAD no frequency). In summary, the available evidence is currently insufficient to determine the role of this variant in disease. Therefore, it has been classified as a Variant of Uncertain Significance. Advanced modeling of protein sequence and biophysical properties (such as structural, functional, and spatial information, amino acid conservation, physicochemical variation, residue mobility, and thermodynamic stability) performed at Invitae indicates that this missense variant is not expected to disrupt DMD protein function. This variant has not been reported in the literature in individuals affected with DMD-related conditions.

Ambry Genetics
Classification: Uncertain significance for Cardiovascular phenotype. Last evaluated: 2022-11-30. Review status: criteria provided, single submitter. Criteria: Ambry Variant Classification Scheme 2023. Collection method: clinical testing. Allele origin: germline.
Comment: The p.L2417F variant (also known as c.7249C>T), located in coding exon 50 of the DMD gene, results from a C to T substitution at nucleotide position 7249. The leucine at codon 2417 is replaced by phenylalanine, an amino acid with highly similar properties. This amino acid position is highly conserved in available vertebrate species. In addition, this alteration is predicted to be tolerated by in silico analysis. Since supporting evidence is limited at this time, the clinical significance of this alteration remains unclear.

NM_004006.3(DMD):c.7249C>T (p.Leu2417Phe)

Gene: DMD (dystrophin; minus strand). Cytogenetic location: Xp21.1.
Variant type: single nucleotide variant.
Coding change: c.7249C>T on transcript NM_004006.3 (MANE Select); coding-DNA position 7249, C replaced by T.
Protein change: p.Leu2417Phe; replaces leucine 2417 with phenylalanine.
Molecular consequence: missense variant. On other transcripts: 5 prime UTR variant (5).
Genome position (GRCh38, 1-based): chrX:31,820,035, G>A on the plus strand (C>T on the coding strand, the complement: DMD is on the minus strand). VCF-style: chrX-31820035-G-A. GRCh37 (hg19) VCF-style: chrX-31838152-G-A.
Other names: c.7225C>T, p.Leu2409Phe (NM_000109.4); c.7237C>T, p.Leu2413Phe (NM_004009.3); c.6880C>T, p.Leu2294Phe (NM_004010.3); c.3226C>T, p.Leu1076Phe (NM_004011.4); c.3217C>T, p.Leu1073Phe (NM_004012.4); c.-132C>T (NM_004013.3, NM_004020.4, NM_004021.3 and 2 more transcripts); short protein forms L2413F, L1073F, L2294F, L1076F, L2417F, L2409F.
Identifiers: ClinVar variation 2727888 (VCV002727888.2), dbSNP rs2092718786, ClinGen allele CA412658582.